The following is an entry in ClinVar:

ClinVar aggregate classification (germline): Uncertain significance (1 of 4 stars; one submission).

Submission:

Mayo Clinic Laboratories, Mayo Clinic
Classification: Uncertain significance. Last evaluated: 2023-01-16. Review status: criteria provided, single submitter. Criteria: ACMG Guidelines, 2015. Collection method: clinical testing. Allele origin: germline. Observed: 1 variant allele.
Comment: BP4, PM2

NM_003742.4(ABCB11):c.3914C>A (p.Ala1305Asp)

Gene: ABCB11 (ATP binding cassette subfamily B member 11; minus strand). Cytogenetic location: 2q31.1.
Variant type: single nucleotide variant.
Coding change: c.3914C>A on transcript NM_003742.4 (MANE Select); coding-DNA position 3914, C replaced by A.
Protein change: p.Ala1305Asp; replaces alanine 1305 with aspartic acid.
Molecular consequence: missense variant.
Genome position (GRCh38, 1-based): chr2:168,923,674, G>T on the plus strand (C>A on the coding strand, the complement: ABCB11 is on the minus strand). VCF-style: chr2-168923674-G-T. GRCh37 (hg19) VCF-style: chr2-169780184-G-T.
Other names: p.Ala1305Asp; short protein forms A1305D.
Identifiers: ClinVar variation 2682753 (VCV002682753.1), dbSNP rs1691170783, ClinGen allele CA349116880.